The following is an entry in ClinVar:

NM_001099274.3(TINF2):c.1090C>A (p.Leu364Met)

Gene: TINF2 (TERF1 interacting nuclear factor 2; minus strand). Cytogenetic location: 14q12.
Variant type: single nucleotide variant.
Coding change: c.1090C>A on transcript NM_001099274.3 (MANE Select); coding-DNA position 1090, C replaced by A.
Protein change: p.Leu364Met; replaces leucine 364 with methionine.
Molecular consequence: missense variant. On other transcripts: 3 prime UTR variant (1).
Genome position (GRCh38, 1-based): chr14:24,240,302, G>T on the plus strand (C>A on the coding strand, the complement: TINF2 is on the minus strand). VCF-style: chr14-24240302-G-T. GRCh37 (hg19) VCF-style: chr14-24709508-G-T.
Other names: c.985C>A, p.Leu329Met (NM_001363668.2); c.*113C>A (NM_012461.3); short protein forms L329M, L364M.
Identifiers: ClinVar variation 3658469 (VCV003658469.2).

ClinVar aggregate classification (germline): Uncertain significance (1 of 4 stars; one submission).

Conditions:
Dyskeratosis congenita. Identifiers: Orphanet 1775, MedGen C0265965, MONDO:0015780.

Submission:

Labcorp Genetics (formerly Invitae), Labcorp
Classification: Uncertain significance for Dyskeratosis congenita. Last evaluated: 2024-07-01. Review status: criteria provided, single submitter. Criteria: Invitae Variant Classification Sherloc (09022015). Collection method: clinical testing. Allele origin: germline.
Comment: This sequence change replaces leucine, which is neutral and non-polar, with methionine, which is neutral and non-polar, at codon 364 of the TINF2 protein (p.Leu364Met). This variant is not present in population databases (gnomAD no frequency). This variant has not been reported in the literature in individuals affected with TINF2-related conditions. An algorithm developed to predict the effect of missense changes on protein structure and function (PolyPhen-2) suggests that this variant is likely to be disruptive. In summary, the available evidence is currently insufficient to determine the role of this variant in disease. Therefore, it has been classified as a Variant of Uncertain Significance.